The following is an entry in ClinVar:

NM_000143.4(FH):c.904+2dup

Gene: FH (fumarate hydratase; minus strand). Cytogenetic location: 1q43.
Variant type: Duplication.
Coding change: c.904+2dup on transcript NM_000143.4 (MANE Select); the canonical splice donor site of the intron after coding-DNA position 904, one base duplicated (T; older notation c.904+2dupT).
Molecular consequence: splice donor variant.
Genome position (GRCh38, 1-based): chr1:241,506,000, A duplicated on the plus strand (T on the coding strand, the reverse complement: FH is on the minus strand); the first of 2 consecutive A bases (chr1:241,506,000-241,506,001); duplicating either gives the same sequence. VCF-style (leftmost placement, unchanged base first): chr1-241505999-T-TA. GRCh37 (hg19) VCF-style: chr1-241669299-T-TA.
Other names: c.904+3dup (NM_000143.4).
Identifiers: ClinVar variation 822935 (VCV000822935.8), dbSNP rs1573881536, ClinGen allele CA915942104.
Genomic context (GRCh38, chr1:241,505,999, plus strand): 5'-AGAAAATGTACAGACCACGTATAATGAGAAATGAAAATGAGAAATAATTCACGTGATCAC[T>TA]AACCTGTAAGTGCAGCCACTTTTGCAGCAACCTTTTCTGCAAAGCCAATTCTAGTATTTA-3'

ClinVar aggregate classification (germline): Uncertain significance. Review status: criteria provided, multiple submitters, no conflicts (2 of 4 stars). 3 submissions from 3 submitters: Uncertain significance (3). Last evaluated 2025-10-10.

Conditions:
Hereditary cancer-predisposing syndrome. Also called: Hereditary Cancer Syndrome; Neoplastic Syndromes, Hereditary; Hereditary neoplastic syndrome; Tumor predisposition. Identifiers: Orphanet 140162, MedGen C0027672, MeSH D009386, MONDO:0015356.
Fumarase deficiency (FMRD). Also called: Fumarate Hydratase Deficiency; Fumaric aciduria. Identifiers: Orphanet 24, MedGen C0342770, MONDO:0011730, OMIM 606812.

Submissions (3):

Labcorp Genetics (formerly Invitae), Labcorp
Classification: Uncertain significance. Last evaluated: 2025-10-10. Review status: criteria provided, single submitter. Criteria: Invitae Variant Classification Sherloc (09022015). Collection method: clinical testing. Allele origin: germline.
Comment: This sequence change falls in intron 6 of the FH gene. It does not directly change the encoded amino acid sequence of the FH protein. It affects a nucleotide within the consensus splice site. This variant is not present in population databases (gnomAD no frequency). This variant has not been reported in the literature in individuals affected with FH-related conditions. ClinVar contains an entry for this variant (Variation ID: 822935). Variants that disrupt the consensus splice site are a relatively common cause of aberrant splicing (PMID: 17576681, 9536098). Algorithms developed to predict the effect of sequence changes on RNA splicing suggest that this variant may disrupt the consensus splice site. In summary, the available evidence is currently insufficient to determine the role of this variant in disease. Therefore, it has been classified as a Variant of Uncertain Significance.

Ambry Genetics
Classification: Uncertain significance for Hereditary cancer-predisposing syndrome. Last evaluated: 2023-12-13. Review status: criteria provided, single submitter. Criteria: Ambry Variant Classification Scheme 2023. Collection method: clinical testing. Allele origin: germline.
Comment: The c.904+3dupT intronic variant, results from a duplication of one nucleotide at nucleotide position 904 after intron 6 of the FH gene. This nucleotide position is poorly conserved in available vertebrate species. In silico splice site analysis for this alteration is inconclusive. Since supporting evidence is limited at this time, the clinical significance of this alteration remains unclear.

Baylor Genetics
Classification: Uncertain significance for Fumarase deficiency. Last evaluated: 2022-12-27. Review status: criteria provided, single submitter. Criteria: ACMG Guidelines, 2015. Collection method: clinical testing. Allele origin: unknown.

Literature cited by the submitters: PubMed 17576681 (cited by Labcorp Genetics (formerly Invitae), Labcorp); PubMed 9536098 (cited by Labcorp Genetics (formerly Invitae), Labcorp).